The following is an entry in ClinVar:

ClinVar aggregate classification (germline): Uncertain significance. Review status: criteria provided, multiple submitters, no conflicts (2 of 4 stars). 2 submissions from 2 submitters: Uncertain significance (2). Last evaluated 2022-10-17.

Conditions:
Inborn genetic diseases. Identifiers: MedGen C0950123, MeSH D030342.

Allele frequency attached by ClinVar (database versions not stated): gnomAD 0.00001; gnomAD exomes 0.00001 and 0.00003; ExAC 0.00003; TOPMed 0.00003.
gnomAD v4.1: 52 of 1,600,906 alleles (0.0032%); highest among the groups gnomAD compares: Admixed American, 0.0052%; no homozygotes.

Submissions (2):

Labcorp Genetics (formerly Invitae), Labcorp
Classification: Uncertain significance. Last evaluated: 2022-10-17. Review status: criteria provided, single submitter. Criteria: Invitae Variant Classification Sherloc (09022015). Collection method: clinical testing. Allele origin: germline.
Comment: In summary, the available evidence is currently insufficient to determine the role of this variant in disease. Therefore, it has been classified as a Variant of Uncertain Significance. Advanced modeling of protein sequence and biophysical properties (such as structural, functional, and spatial information, amino acid conservation, physicochemical variation, residue mobility, and thermodynamic stability) performed at Invitae indicates that this missense variant is not expected to disrupt SAG protein function. ClinVar contains an entry for this variant (Variation ID: 1523206). This variant has not been reported in the literature in individuals affected with SAG-related conditions. The frequency data for this variant in the population databases is considered unreliable, as metrics indicate poor data quality at this position in the gnomAD database. This sequence change replaces alanine, which is neutral and non-polar, with threonine, which is neutral and polar, at codon 68 of the SAG protein (p.Ala68Thr).

Ambry Genetics
Classification: Uncertain significance for Inborn genetic diseases. Last evaluated: 2022-08-17. Review status: criteria provided, single submitter. Criteria: Ambry Variant Classification Scheme 2023. Collection method: clinical testing. Allele origin: germline.

NM_000541.5(SAG):c.202G>A (p.Ala68Thr)

Gene: SAG (S-antigen visual arrestin; plus strand). Cytogenetic location: 2q37.1.
Variant type: single nucleotide variant.
Coding change: c.202G>A on transcript NM_000541.5 (MANE Select); coding-DNA position 202, G replaced by A.
Protein change: p.Ala68Thr; replaces alanine 68 with threonine.
Molecular consequence: missense variant.
Genome position (GRCh38, 1-based): chr2:233,320,650, G>A. VCF-style: chr2-233320650-G-A. GRCh37 (hg19) VCF-style: chr2-234229296-G-A.
Other names: c.202G>A (NM_000541.4); short protein forms A68T.
Identifiers: ClinVar variation 1523206 (VCV001523206.9), dbSNP rs748410984, ClinGen allele CA2174305.